The following is an entry in ClinVar:

ClinVar aggregate classification (germline): Conflicting classifications of pathogenicity. Review status: criteria provided, conflicting classifications (1 of 4 stars). 2 submissions from 2 submitters: Uncertain significance (1); Likely benign (1). Last evaluated 2026-07-06.

Conditions:
Familial thoracic aortic aneurysm and aortic dissection (TAAD). Also called: Thoracic aortic aneurysms and dissections. Identifiers: Orphanet 91387, MedGen C4707243, MONDO:0019625.

gnomAD v4.1: 1 of 1,612,560 alleles (0.000062%); highest among the groups gnomAD compares: Middle Eastern, 0.017%; no homozygotes.

Submissions (2):

Ambry Genetics
Classification: Uncertain significance for Familial thoracic aortic aneurysm and aortic dissection. Last evaluated: 2026-07-06. Review status: criteria provided, single submitter. Criteria: Ambry Variant Classification Scheme 2023. Collection method: clinical testing. Allele origin: germline.
Comment: The c.1720-5C>T intronic variant results from a C to T substitution 5 nucleotides upstream from coding exon 15 in the COL5A1 gene. This nucleotide position is well conserved in available vertebrate species. In silico splice site analysis predicts that this alteration will not have any significant effect on splicing. Based on the available evidence, the clinical significance of this variant remains unclear.

Blueprint Genetics
Classification: Likely benign. Last evaluated: 2021-03-29. Review status: criteria provided, single submitter. Criteria: ACMG Guidelines, 2015. Collection method: clinical testing. Allele origin: germline.

NM_000093.5(COL5A1):c.1720-5C>T

Gene: COL5A1 (collagen type V alpha 1 chain; plus strand). Cytogenetic location: 9q34.3.
Variant type: single nucleotide variant.
Coding change: c.1720-5C>T on transcript NM_000093.5 (MANE Select); 5 bases into the intron before coding-DNA position 1720, C replaced by T.
Molecular consequence: intron variant.
Genome position (GRCh38, 1-based): chr9:134,753,845, C>T. VCF-style: chr9-134753845-C-T. GRCh37 (hg19) VCF-style: chr9-137645691-C-T.
Other names: c.1720-5C>T (NM_001278074.1, NM_000093.3).
Identifiers: ClinVar variation 4905422 (VCV004905422.2).